The following is an entry in ClinVar:

NC_000016.10:g.(?_9798257)_(9849981_?)del

Gene: GRIN2A (glutamate ionotropic receptor NMDA type subunit 2A; minus strand). Cytogenetic location: 16p13.2.
Variant type: Deletion.
Identifiers: ClinVar variation 830906 (VCV000830906.9).

ClinVar aggregate classification (germline): Pathogenic (1 of 4 stars; one submission).

Conditions:
Landau-Kleffner syndrome (FESD). Also called: APHASIA, ACQUIRED, WITH EPILEPSY; EPILEPSY, FOCAL, WITH SPEECH DISORDER AND WITH OR WITHOUT MENTAL RETARDATION. Identifiers: Orphanet 1945, Orphanet 725, Orphanet 98818, MedGen C0282512, MONDO:0009509, OMIM 245570.

Submission:

Labcorp Genetics (formerly Invitae), Labcorp
Classification: Pathogenic for Landau-Kleffner syndrome. Last evaluated: 2022-08-06. Review status: criteria provided, single submitter. Criteria: Invitae Variant Classification Sherloc (09022015). Collection method: clinical testing. Allele origin: germline.
Comment: For these reasons, this variant has been classified as Pathogenic. This variant has not been reported in the literature in individuals affected with GRIN2A-related conditions. This variant is a gross deletion of the genomic region encompassing exon(s) 6-12 of the GRIN2A gene. This deletion is out-of-frame, and is expected to create a premature termination codon and result in an absent or disrupted protein product. Loss-of-function variants in GRIN2A are known to be pathogenic (PMID: 23933819, 23933820).

Literature cited by the submitters: PubMed 23933819; PubMed 23933820.